The following is an entry in ClinVar:

NM_001271.4(CHD2):c.3925C>T (p.Gln1309Ter)

Gene: CHD2 (chromodomain helicase DNA binding protein 2; plus strand). Cytogenetic location: 15q26.1.
Variant type: single nucleotide variant.
Coding change: c.3925C>T on transcript NM_001271.4 (MANE Select); coding-DNA position 3925, C replaced by T.
Protein change: p.Gln1309Ter; replaces glutamine 1309 with a stop codon.
Molecular consequence: nonsense.
Genome position (GRCh38, 1-based): chr15:92,998,538, C>T. VCF-style: chr15-92998538-C-T. GRCh37 (hg19) VCF-style: chr15-93541768-C-T.
Other names: short protein forms Q1309*.
Identifiers: ClinVar variation 835341 (VCV000835341.8), dbSNP rs2054212444, ClinGen allele CA393899345.

ClinVar aggregate classification (germline): Pathogenic. Review status: criteria provided, multiple submitters, no conflicts (2 of 4 stars). 2 submissions from 2 submitters: Pathogenic (2). Last evaluated 2023-02-21.

Conditions:
Developmental and epileptic encephalopathy 94 (DEE94). Also called: Epileptic encephalopathy, childhood-onset; CHD2-Related Neurodevelopmental Disorders. Identifiers: Orphanet 1942, Orphanet 2382, MedGen C3809278, MONDO:0014150, OMIM 615369.

Submissions (2):

Institute of Human Genetics, University of Leipzig Medical Center
Classification: Pathogenic for Developmental and epileptic encephalopathy 94. Last evaluated: 2023-02-21. Review status: criteria provided, single submitter. Criteria: ACMG Guidelines, 2015. Collection method: clinical testing. Allele origin: de novo. Affected: yes.
Comment: This variant was identified as de novo (maternity and paternity confirmed)._x000D_ Criteria applied: PVS1, PS2_MOD, PS4_SUP, PM2_SUP

Labcorp Genetics (formerly Invitae), Labcorp
Classification: Pathogenic for Developmental and epileptic encephalopathy 94. Last evaluated: 2019-03-13. Review status: criteria provided, single submitter. Criteria: Invitae Variant Classification Sherloc (09022015). Collection method: clinical testing. Allele origin: germline.
Comment: For these reasons, this variant has been classified as Pathogenic. Loss-of-function variants in CHD2 are known to be pathogenic (PMID: 23708187, 24207121). This variant has not been reported in the literature in individuals with CHD2-related conditions. This variant is not present in population databases (ExAC no frequency). This sequence change creates a premature translational stop signal (p.Gln1309*) in the CHD2 gene. It is expected to result in an absent or disrupted protein product.

Literature cited by the submitters: PubMed 23708187 (cited by Labcorp Genetics (formerly Invitae), Labcorp); PubMed 24207121 (cited by Labcorp Genetics (formerly Invitae), Labcorp).